The following is an entry in ClinVar:

NM_021803.4(IL21):c.293T>C (p.Val98Ala)

Gene: IL21 (interleukin 21; minus strand). Cytogenetic location: 4q27.
Variant type: single nucleotide variant.
Coding change: c.293T>C on transcript NM_021803.4 (MANE Select); coding-DNA position 293, T replaced by C.
Protein change: p.Val98Ala; replaces valine 98 with alanine.
Molecular consequence: missense variant.
Genome position (GRCh38, 1-based): chr4:122,615,749, A>G on the plus strand (T>C on the coding strand, the complement: IL21 is on the minus strand). VCF-style: chr4-122615749-A-G. GRCh37 (hg19) VCF-style: chr4-123536904-A-G.
Other names: c.293T>C (NM_021803.2); c.293T>C, p.Val98Ala (NM_001207006.3); short protein forms V98A.
Identifiers: ClinVar variation 1450861 (VCV001450861.9), dbSNP rs372933834, ClinGen allele CA3069135.
Genomic context (GRCh38, chr4:122,615,749, plus strand): 5'-TGTTTCTGTCTTCTCCCTGCATTTGTGGAAGGTGGTTTCCTCTTCAGCTTTTTAATTGAT[A>G]CATTGATTATCCTTTCATTGTTTCCTGTATTTGCTGACTTTAGTTGGGCCTTCTGAAAGC-3'
Protein context (NP_068575.1, residues 88-108): NTGNNERIIN[Val98Ala]SIKKLKRKPP

ClinVar aggregate classification (germline): Uncertain significance. Review status: criteria provided, multiple submitters, no conflicts (2 of 4 stars). 2 submissions from 2 submitters: Uncertain significance (2). Last evaluated 2025-08-01.

Allele frequency attached by ClinVar (database versions not stated): gnomAD exomes 0.00001 and 0.00002; ExAC 0.00002; gnomAD 0.00005 and 0.00006; TOPMed 0.00006.
gnomAD v4.1: 29 of 1,613,678 alleles (0.0018%); highest among the groups gnomAD compares: African/African-American, 0.02%; no homozygotes.

Submissions (2):

Ambry Genetics
Classification: Uncertain significance. Last evaluated: 2025-08-01. Review status: criteria provided, single submitter. Criteria: Ambry Variant Classification Scheme 2023. Collection method: clinical testing. Allele origin: germline.

Labcorp Genetics (formerly Invitae), Labcorp
Classification: Uncertain significance. Last evaluated: 2025-06-13. Review status: criteria provided, single submitter. Criteria: Invitae Variant Classification Sherloc (09022015). Collection method: clinical testing. Allele origin: germline.
Comment: This sequence change replaces valine, which is neutral and non-polar, with alanine, which is neutral and non-polar, at codon 98 of the IL21 protein (p.Val98Ala). This variant is present in population databases (rs372933834, gnomAD 0.03%). This variant has not been reported in the literature in individuals affected with IL21-related conditions. ClinVar contains an entry for this variant (Variation ID: 1450861). An algorithm developed to predict the effect of missense changes on protein structure and function (PolyPhen-2) suggests that this variant is likely to be tolerated. In summary, the available evidence is currently insufficient to determine the role of this variant in disease. Therefore, it has been classified as a Variant of Uncertain Significance.